The following continues an entry in ClinVar:

NM_025114.4(CEP290):c.5493del (p.Ala1832fs)

Gene: CEP290. ClinVar aggregate classification (germline): Pathogenic. Pathogenic (17).

Submissions 16 to 21 of 21:

Eurofins Ntd Llc (ga)
Classification: Pathogenic. Last evaluated: 2016-02-12. Review status: criteria provided, single submitter. Criteria: EGL Classification Definitions 2015. Collection method: clinical testing. Allele origin: germline. Observed: 1 variant allele, 1 heterozygote.

Centre for Mendelian Genomics, University Medical Centre Ljubljana
Classification: Pathogenic for Abnormality of the kidney; Agenesis of cerebellar vermis; Cerebellar cyst; Cerebellar vermis hypoplasia; Hyperechogenic kidneys; Polycystic kidney disease. Last evaluated: 2014-01-29. Review status: criteria provided, single submitter. Criteria: ACMG Guidelines, 2015. Collection method: clinical testing. Allele origin: unknown. Affected: yes.

PreventionGenetics, part of Exact Sciences
Classification: Pathogenic for CEP290-related condition. Last evaluated: 2024-03-05. Review status: no assertion criteria provided. Collection method: clinical testing. Allele origin: germline. Not counted in ClinVar's aggregate classification.
Comment: The CEP290 c.5493delA variant is predicted to result in a frameshift and premature protein termination (p.Ala1832Profs*19). This variant has been reported in individuals with Joubert Syndrome and related disorders (Brancati et al. 2007. PubMed ID: 17564967; Frank et al. 2008. PubMed ID: 17705300) or inherited retinal dystrophy (Carss et al. 2017. PubMed ID: 28041643, Patient G001347 in Supplemental Table S2). This variant is reported in 0.0049% of alleles in individuals of European (Non-Finnish) descent in gnomAD. Frameshift variants in CEP290 are expected to be pathogenic. This variant is interpreted as pathogenic.

NIHR Bioresource Rare Diseases, University of Cambridge
Classification: Pathogenic for Retinal dystrophy. Last evaluated: 2015-01-01. Review status: no assertion criteria provided. Collection method: research. Allele origin: unknown. Affected: yes. Observed: 1 variant allele. Not counted in ClinVar's aggregate classification.

OMIM
Classification: Pathogenic for MECKEL SYNDROME, TYPE 4. Last evaluated: 2008-01-01. Review status: no assertion criteria provided. Collection method: literature only. Allele origin: germline. Not counted in ClinVar's aggregate classification.

Juha Muilu Group; Institute for Molecular Medicine Finland (FIMM)
Classification: Likely pathogenic for Meckel syndrome type 4. Review status: no assertion criteria provided. Collection method: not provided. Allele origin: unknown. Not counted in ClinVar's aggregate classification.
Comment: FinDis database variant: This variant was not found or characterized by our laboratory, data were collected from public sources: see reference
ClinVar note: Converted during submission from probable-pathogenic to Likely pathogenic.

Literature cited by the submitters: PubMed 16909394 (cited by Labcorp Genetics (formerly Invitae), Labcorp); PubMed 17345604 (cited by Labcorp Genetics (formerly Invitae), Labcorp); PubMed 20690115 (cited by Labcorp Genetics (formerly Invitae), Labcorp); PubMed 17705300 (cited by 4 submitters); PubMed 20683928 (cited by Labcorp Genetics (formerly Invitae), Labcorp); PubMed 21245082 (cited by Labcorp Genetics (formerly Invitae), Labcorp and Eurofins Ntd Llc (ga)); PubMed 21153841 (cited by Natera, Inc.); PubMed 31734136 (cited by 3 submitters); PubMed 28041643 (cited by 4 submitters); PubMed 17564967 (cited by 4 submitters); PubMed 31589614 (cited by Institute of Human Genetics, Univ. Regensburg, Univ. Regensburg); PubMed 32581362 (cited by Institute of Human Genetics, Univ. Regensburg, Univ. Regensburg); PubMed 32531858 (cited by Institute of Human Genetics, Univ. Regensburg, Univ. Regensburg); PubMed 34426522 (cited by Institute of Human Genetics, Univ. Regensburg, Univ. Regensburg); PubMed 34196655 (cited by Institute of Human Genetics, Univ. Regensburg, Univ. Regensburg); PubMed 19764032 (cited by Eurofins Ntd Llc (ga)).